The following is an entry in ClinVar:

NM_001276270.2(MBD4):c.1241G>C (p.Ser414Thr)

Gene: MBD4 (methyl-CpG binding domain 4, DNA glycosylase; minus strand). Cytogenetic location: 3q21.3.
Variant type: single nucleotide variant.
Coding change: c.1241G>C on transcript NM_001276270.2 (MANE Select); coding-DNA position 1241, G replaced by C.
Protein change: p.Ser414Thr; replaces serine 414 with threonine.
Molecular consequence: missense variant.
Genome position (GRCh38, 1-based): chr3:129,434,079, C>G on the plus strand (G>C on the coding strand, the complement: MBD4 is on the minus strand). VCF-style: chr3-129434079-C-G. GRCh37 (hg19) VCF-style: chr3-129152922-C-G.
Other names: c.1259G>C, p.Ser420Thr (NM_001276271.2, NM_001276272.2, NM_003925.3); c.305G>C, p.Ser102Thr (NM_001276273.2); short protein forms S102T, S414T, S420T.
Identifiers: ClinVar variation 3870914 (VCV003870914.1).

ClinVar aggregate classification (germline): Uncertain significance (1 of 4 stars; one submission).

Conditions:
Inborn genetic diseases. Identifiers: MedGen C0950123, MeSH D030342.

Submission:

Ambry Genetics
Classification: Uncertain significance for Inborn genetic diseases. Last evaluated: 2025-01-25. Review status: criteria provided, single submitter. Criteria: Ambry Variant Classification Scheme 2023. Collection method: clinical testing. Allele origin: germline.
Comment: The p.S414T variant (also known as c.1241G>C), located in coding exon 4 of the MBD4 gene, results from a G to C substitution at nucleotide position 1241. The serine at codon 414 is replaced by threonine, an amino acid with similar properties. This amino acid position is conserved. In addition, this alteration is predicted to be tolerated by in silico analysis. Based on the available evidence, the clinical significance of this variant remains unclear.